The following is an entry in ClinVar:

NM_000080.4(CHRNE):c.694T>C (p.Tyr232His)

Genes: C17orf107 (chromosome 17 open reading frame 107; plus strand), CHRNE (cholinergic receptor nicotinic epsilon subunit; minus strand). Cytogenetic location: 17p13.2.
Variant type: single nucleotide variant.
Coding change: c.694T>C on transcript NM_000080.4 (MANE Select); coding-DNA position 694, T replaced by C.
Protein change: p.Tyr232His; replaces tyrosine 232 with histidine.
Molecular consequence: missense variant. On other transcripts: 3 prime UTR variant (1).
Genome position (GRCh38, 1-based): chr17:4,901,098, A>G on the plus strand (T>C on the coding strand, the complement: CHRNE is on the minus strand). VCF-style: chr17-4901098-A-G. GRCh37 (hg19) VCF-style: chr17-4804393-A-G.
Other names: c.*565A>G (NM_001145536.2); short protein forms Y232H.
Identifiers: ClinVar variation 1489207 (VCV001489207.6), dbSNP rs2151097342, ClinGen allele CA397305049.

ClinVar aggregate classification (germline): Uncertain significance (1 of 4 stars; one submission).

Conditions:
Congenital myasthenic syndrome 4A. Also called: Myasthenic syndrome, congenital, 4a, slow-channel; CONGENITAL MYASTHENIC SYNDROME TYPE Ia1; MYASTHENIC SYNDROME, CONGENITAL, 4A, SLOW-CHANNEL, AUTOSOMAL RECESSIVE. Identifiers: Orphanet 590, MedGen C4225413, MONDO:0011600, OMIM 605809.

Submission:

Labcorp Genetics (formerly Invitae), Labcorp
Classification: Uncertain significance for Congenital myasthenic syndrome 4A. Last evaluated: 2021-11-15. Review status: criteria provided, single submitter. Criteria: Invitae Variant Classification Sherloc (09022015). Collection method: clinical testing. Allele origin: germline.
Comment: In summary, the available evidence is currently insufficient to determine the role of this variant in disease. Therefore, it has been classified as a Variant of Uncertain Significance. Advanced modeling of protein sequence and biophysical properties (such as structural, functional, and spatial information, amino acid conservation, physicochemical variation, residue mobility, and thermodynamic stability) performed at Invitae indicates that this missense variant is expected to disrupt CHRNE protein function. This variant has not been reported in the literature in individuals affected with CHRNE-related conditions. This variant is not present in population databases (gnomAD no frequency). This sequence change replaces tyrosine, which is neutral and polar, with histidine, which is basic and polar, at codon 232 of the CHRNE protein (p.Tyr232His).